The following is an entry in ClinVar:

ClinVar aggregate classification (germline): Uncertain significance. Review status: criteria provided, multiple submitters, no conflicts (2 of 4 stars). 2 submissions from 2 submitters: Uncertain significance (2). Last evaluated 2025-04-23.

gnomAD v4.1: 16 of 1,614,156 alleles (0.00099%); highest among the groups gnomAD compares: South Asian, 0.018%; no homozygotes.

Submissions (2):

Labcorp Genetics (formerly Invitae), Labcorp
Classification: Uncertain significance. Last evaluated: 2025-04-23. Review status: criteria provided, single submitter. Criteria: Invitae Variant Classification Sherloc (09022015). Collection method: clinical testing. Allele origin: germline.
Comment: This sequence change replaces glycine, which is neutral and non-polar, with glutamic acid, which is acidic and polar, at codon 487 of the SEMA4A protein (p.Gly487Glu). This variant is present in population databases (rs753673769, gnomAD 0.02%). This variant has not been reported in the literature in individuals affected with SEMA4A-related conditions. Invitae Evidence Modeling of protein sequence and biophysical properties (such as structural, functional, and spatial information, amino acid conservation, physicochemical variation, residue mobility, and thermodynamic stability) indicates that this missense variant is not expected to disrupt SEMA4A protein function with a negative predictive value of 80%. In summary, the available evidence is currently insufficient to determine the role of this variant in disease. Therefore, it has been classified as a Variant of Uncertain Significance.

CeGaT Center for Human Genetics Tuebingen
Classification: Uncertain significance. Last evaluated: 2025-03-01. Review status: criteria provided, single submitter. Criteria: CeGaT Center For Human Genetics Tuebingen Variant Classification Criteria Version 2. Collection method: clinical testing. Allele origin: germline. Affected: yes. Observed: 1 variant allele.
Comment: SEMA4A: PM2, BP4

NM_022367.4(SEMA4A):c.1460G>A (p.Gly487Glu)

Gene: SEMA4A (semaphorin 4A; plus strand). Cytogenetic location: 1q22.
Variant type: single nucleotide variant.
Coding change: c.1460G>A on transcript NM_022367.4 (MANE Select); coding-DNA position 1460, G replaced by A.
Protein change: p.Gly487Glu; replaces glycine 487 with glutamic acid.
Molecular consequence: missense variant.
Genome position (GRCh38, 1-based): chr1:156,175,111, G>A. VCF-style: chr1-156175111-G-A. GRCh37 (hg19) VCF-style: chr1-156144902-G-A.
Other names: c.1460G>A, p.Gly487Glu (NM_001193300.2, NM_001193301.2, NM_001370567.1); c.1064G>A, p.Gly355Glu (NM_001193302.2); c.1163G>A, p.Gly388Glu (NM_001370568.1); c.953G>A, p.Gly318Glu (NM_001370569.1, NM_001370571.1); short protein forms G318E, G355E, G388E, G487E.
Identifiers: ClinVar variation 3778317 (VCV003778317.8).